The following is an entry in ClinVar:

NM_006361.6(HOXB13):c.469G>C (p.Glu157Gln)

Gene: HOXB13 (homeobox B13; minus strand). Cytogenetic location: 17q21.32.
Variant type: single nucleotide variant.
Coding change: c.469G>C on transcript NM_006361.6 (MANE Select); coding-DNA position 469, G replaced by C.
Protein change: p.Glu157Gln; replaces glutamic acid 157 with glutamine.
Molecular consequence: missense variant.
Genome position (GRCh38, 1-based): chr17:48,728,125, C>G on the plus strand (G>C on the coding strand, the complement: HOXB13 is on the minus strand). VCF-style: chr17-48728125-C-G. GRCh37 (hg19) VCF-style: chr17-46805487-C-G.
Other names: short protein forms E157Q.
Identifiers: ClinVar variation 1718709 (VCV001718709.8), dbSNP rs2509514894, ClinGen allele CA400107393.
Genomic context (GRCh38, chr17:48,728,125, plus strand): 5'-CACCAGCGAGAGCCCAAGACTGGTAACTGTCCACAGGCAACAGGGAGTCATGTCGCGGTT[C>G]TCCAGGAGCACCCAGAGTCTGCACCACAGACACGTCCAGGTAACTGGCCATAGGCTGGTA-3'
Protein context (NP_006352.2, residues 147-167): SVVQTLGAPG[Glu157Gln]PRHDSLLPVD

ClinVar aggregate classification (germline): Uncertain significance. Review status: criteria provided, multiple submitters, no conflicts (2 of 4 stars). 2 submissions from 2 submitters: Uncertain significance (2). Last evaluated 2025-02-16.

Conditions:
Hereditary cancer-predisposing syndrome. Also called: Hereditary neoplastic syndrome; Neoplastic Syndromes, Hereditary; Hereditary Cancer Syndrome; Tumor predisposition. Identifiers: Orphanet 140162, MedGen C0027672, MeSH D009386, MONDO:0015356.

Submissions (2):

Ambry Genetics
Classification: Uncertain significance for Hereditary cancer-predisposing syndrome. Last evaluated: 2025-02-16. Review status: criteria provided, single submitter. Criteria: Ambry Variant Classification Scheme 2023. Collection method: clinical testing. Allele origin: germline.
Comment: The p.E157Q variant (also known as c.469G>C), located in coding exon 1 of the HOXB13 gene, results from a G to C substitution at nucleotide position 469. The glutamic acid at codon 157 is replaced by glutamine, an amino acid with highly similar properties. This amino acid position is conserved. In addition, this alteration is predicted to be deleterious by in silico analysis. Since supporting evidence is limited at this time, the clinical significance of this alteration remains unclear.

Labcorp Genetics (formerly Invitae), Labcorp
Classification: Uncertain significance. Last evaluated: 2024-04-14. Review status: criteria provided, single submitter. Criteria: Invitae Variant Classification Sherloc (09022015). Collection method: clinical testing. Allele origin: germline.
Comment: This sequence change replaces glutamic acid, which is acidic and polar, with glutamine, which is neutral and polar, at codon 157 of the HOXB13 protein (p.Glu157Gln). This variant is not present in population databases (gnomAD no frequency). This variant has not been reported in the literature in individuals affected with HOXB13-related conditions. ClinVar contains an entry for this variant (Variation ID: 1718709). Advanced modeling of protein sequence and biophysical properties (such as structural, functional, and spatial information, amino acid conservation, physicochemical variation, residue mobility, and thermodynamic stability) performed at Invitae indicates that this missense variant is not expected to disrupt HOXB13 protein function with a negative predictive value of 80%. In summary, the available evidence is currently insufficient to determine the role of this variant in disease. Therefore, it has been classified as a Variant of Uncertain Significance.